The following is an entry in ClinVar:

ClinVar aggregate classification (germline): Uncertain significance (1 of 4 stars; one submission).

Conditions:
Hereditary hyperekplexia. Identifiers: Orphanet 3197, MedGen C4084968, MONDO:0021022.

Submission:

Labcorp Genetics (formerly Invitae), Labcorp
Classification: Uncertain significance for Hereditary hyperekplexia. Last evaluated: 2023-08-19. Review status: criteria provided, single submitter. Criteria: Invitae Variant Classification Sherloc (09022015). Collection method: clinical testing. Allele origin: germline.
Comment: This sequence change replaces glutamine, which is neutral and polar, with leucine, which is neutral and non-polar, at codon 375 of the GLRA1 protein (p.Gln375Leu). This variant is not present in population databases (gnomAD no frequency). This variant has not been reported in the literature in individuals affected with GLRA1-related conditions. Advanced modeling of protein sequence and biophysical properties (such as structural, functional, and spatial information, amino acid conservation, physicochemical variation, residue mobility, and thermodynamic stability) performed at Invitae indicates that this missense variant is not expected to disrupt GLRA1 protein function. In summary, the available evidence is currently insufficient to determine the role of this variant in disease. Therefore, it has been classified as a Variant of Uncertain Significance.

NM_000171.4(GLRA1):c.1124A>T (p.Gln375Leu)

Gene: GLRA1 (glycine receptor alpha 1; minus strand). Cytogenetic location: 5q33.1.
Variant type: single nucleotide variant.
Coding change: c.1124A>T on transcript NM_000171.4 (MANE Select); coding-DNA position 1124, A replaced by T.
Protein change: p.Gln375Leu; replaces glutamine 375 with leucine.
Molecular consequence: missense variant.
Genome position (GRCh38, 1-based): chr5:151,822,899, T>A on the plus strand (A>T on the coding strand, the complement: GLRA1 is on the minus strand). VCF-style: chr5-151822899-T-A. GRCh37 (hg19) VCF-style: chr5-151202460-T-A.
Other names: c.1148A>T, p.Gln383Leu (NM_001146040.2); c.875A>T, p.Gln292Leu (NM_001292000.2); short protein forms Q375L, Q292L, Q383L.
Identifiers: ClinVar variation 2896504 (VCV002896504.3), dbSNP rs1763177373, ClinGen allele CA361850249.
Genomic context (GRCh38, chr5:151,822,899, plus strand): 5'-GGAGGGGGGTTGGTGGTGTTACTGTTGTTGGCGCCCTTGACTGAGATGCCATCCTTGGCC[T>A]GTAGACAGGCTGGGCCCATCCCATAGGCAGAGAAGTTAAAGCGGCCTTCTCCAGCTTCAT-3'
Protein context (NP_000162.2, residues 365-385): SAYGMGPACL[Gln375Leu]AKDGISVKGA